The following is an entry in ClinVar:

NM_002335.4(LRP5):c.2132_2133dup (p.Val712fs)

Gene: LRP5 (LDL receptor related protein 5; plus strand). Cytogenetic location: 11q13.2.
Variant type: Duplication.
Coding change: c.2132_2133dup on transcript NM_002335.4 (MANE Select); coding-DNA positions 2132 to 2133, 2 bases duplicated (AC; older notation c.2132_2133dupAC).
Protein change: p.Val712fs; shifts the reading frame from valine 712.
Molecular consequence: frameshift variant.
Genome position (GRCh38, 1-based): chr11:68,409,954-68,409,955, AC duplicated; duplicating any 2 consecutive bases within chr11:68,409,953-68,409,955 gives the same sequence; the c. name uses the placement nearest the transcript's 3' end. VCF-style (leftmost placement, unchanged base first): chr11-68409952-G-GCA. GRCh37 (hg19) VCF-style: chr11-68177420-G-GCA.
Other names: c.389_390dup, p.Val131fs (NM_001291902.2); short protein forms V712fs, V131fs.
Identifiers: ClinVar variation 504147 (VCV000504147.1), dbSNP rs1554971069, ClinGen allele CA658797702.

ClinVar aggregate classification (germline): Pathogenic (1 of 4 stars; one submission).

Submission:

GeneDx
Classification: Pathogenic. Last evaluated: 2018-01-17. Review status: criteria provided, single submitter. Criteria: GeneDx Variant Classification (06012015). Collection method: clinical testing. Allele origin: germline. Affected: yes.
Comment: The c.2132_2133dupAC pathogenic variant in the LRP5 gene causes a frameshift starting with codon Valine 712, changes this amino acid to a Threonine residue and creates a premature Stop codon at position 87 of the new reading frame, denoted p.Val712ThrfsX87. This pathogenic variant is predicted to cause loss of normal protein function either through protein truncation or nonsense-mediated mRNA decay. The c.2132_2133dupAC variant is not observed in large population cohorts (Lek et al., 2016). Therefore, this variant is pathogenic.